The following is an entry in ClinVar:

ClinVar aggregate classification (germline): Uncertain significance. Review status: criteria provided, multiple submitters, no conflicts (2 of 4 stars). 2 submissions from 2 submitters: Uncertain significance (2). Last evaluated 2026-01-05.

Conditions:
Hereditary cancer-predisposing syndrome. Also called: Hereditary neoplastic syndrome; Neoplastic Syndromes, Hereditary; Tumor predisposition; Hereditary Cancer Syndrome. Identifiers: Orphanet 140162, MedGen C0027672, MeSH D009386, MONDO:0015356.
Microcephaly, normal intelligence and immunodeficiency (NBS). Also called: IMMUNODEFICIENCY, MICROCEPHALY, AND CHROMOSOMAL INSTABILITY; SEEMANOVA SYNDROME II; Nijmegen breakage syndrome; Microcephaly with normal intelligence immunodeficiency and lymphoreticular malignancies; Nonsyndromal microcephaly autosomal recessive with normal intelligence; Seemanova syndrome 2. Identifiers: Orphanet 647, MedGen C0398791, MONDO:0009623, OMIM 251260.

Allele frequency attached by ClinVar (database versions not stated): gnomAD exomes below 0.00001; gnomAD 0.00001; TOPMed 0.00001.
gnomAD v4.1: 2 of 1,613,762 alleles (0.00012%); highest among the groups gnomAD compares: African/African-American, 0.0027%; no homozygotes.

Submissions (2):

Labcorp Genetics (formerly Invitae), Labcorp
Classification: Uncertain significance for Microcephaly, normal intelligence and immunodeficiency. Last evaluated: 2026-01-05. Review status: criteria provided, single submitter. Criteria: Invitae Variant Classification Sherloc (09022015). Collection method: clinical testing. Allele origin: germline.
Comment: This sequence change replaces lysine, which is basic and polar, with glutamic acid, which is acidic and polar, at codon 550 of the NBN protein (p.Lys550Glu). This variant is not present in population databases (gnomAD no frequency). This variant has not been reported in the literature in individuals affected with NBN-related conditions. ClinVar contains an entry for this variant (Variation ID: 481845). An algorithm developed to predict the effect of missense changes on protein structure and function (PolyPhen-2) suggests that this variant is likely to be tolerated. In summary, the available evidence is currently insufficient to determine the role of this variant in disease. Therefore, it has been classified as a Variant of Uncertain Significance.

Ambry Genetics
Classification: Uncertain significance for Hereditary cancer-predisposing syndrome. Last evaluated: 2025-01-17. Review status: criteria provided, single submitter. Criteria: Ambry Variant Classification Scheme 2023. Collection method: clinical testing. Allele origin: germline.
Comment: The p.K550E variant (also known as c.1648A>G), located in coding exon 11 of the NBN gene, results from an A to G substitution at nucleotide position 1648. The lysine at codon 550 is replaced by glutamic acid, an amino acid with similar properties. This amino acid position is poorly conserved in available vertebrate species. In addition, this alteration is predicted to be tolerated by in silico analysis. Since supporting evidence is limited at this time, the clinical significance of this alteration remains unclear.

NM_002485.5(NBN):c.1648A>G (p.Lys550Glu)

Gene: NBN (nibrin; minus strand). Cytogenetic location: 8q21.3.
Variant type: single nucleotide variant.
Coding change: c.1648A>G on transcript NM_002485.5 (MANE Select); coding-DNA position 1648, A replaced by G.
Protein change: p.Lys550Glu; replaces lysine 550 with glutamic acid.
Molecular consequence: missense variant.
Genome position (GRCh38, 1-based): chr8:89,953,441, T>C on the plus strand (A>G on the coding strand, the complement: NBN is on the minus strand). VCF-style: chr8-89953441-T-C. GRCh37 (hg19) VCF-style: chr8-90965669-T-C.
Other names: c.1402A>G, p.Lys468Glu (NM_001024688.3); short protein forms K550E, K468E.
Identifiers: ClinVar variation 481845 (VCV000481845.14), dbSNP rs1468125809, ClinGen allele CA371655406.